The following is an entry in ClinVar:

NM_007294.4(BRCA1):c.4284_4285delinsG (p.Ser1428fs)

Gene: BRCA1 (BRCA1 DNA repair associated; minus strand). Cytogenetic location: 17q21.31.
Variant type: Indel.
Coding change: c.4284_4285delinsG on transcript NM_007294.4 (MANE Select); coding-DNA positions 4284 to 4285, CT replaced by G.
Protein change: p.Ser1428fs; shifts the reading frame from serine 1428.
Molecular consequence: frameshift variant. On other transcripts: non-coding transcript variant (1).
Genome position (GRCh38, 1-based): chr17:43,082,476-43,082,477, AG replaced by C on the plus strand (CT replaced by G on the coding strand, the reverse complement: BRCA1 is on the minus strand). VCF-style: chr17-43082476-AG-C. GRCh37 (hg19) VCF-style: chr17-41234493-AG-C.
Other names: 4403delCTinsG(STOP1433); c.4158_4159delCTinsG, p.Ser1386Argfs (NM_001407676.1, NM_001407681.1, NM_001407682.1 and 12 more transcripts); c.4161_4162delCTinsG, p.Ser1387Argfs (NM_001407677.1, NM_001407678.1, NM_001407679.1 and 13 more transcripts); c.4284_4285delCTinsG, p.Ser1428Argfs (NM_001407684.1, NM_001407854.1, NM_001407858.1 and 22 more transcripts); c.4155_4156delCTinsG, p.Ser1385Argfs (NM_001407685.1, NM_001407686.1, NM_001407687.1 and 2 more transcripts); c.4143_4144delCTinsG, p.Ser1381Argfs (NM_001407692.1, NM_001407694.1, NM_001407695.1 and 22 more transcripts); c.4140_4141delCTinsG, p.Ser1380Argfs (NM_001407740.1, NM_001407741.1, NM_001407742.1 and 23 more transcripts); c.4137_4138delCTinsG, p.Ser1379Argfs (NM_001407847.1, NM_001407848.1, NM_001407849.1); and 55 more; short protein forms S1428fs, S1381fs, S325fs.
Identifiers: ClinVar variation 266465 (VCV000266465.8), dbSNP rs886040221, ClinGen allele CA10589672.

ClinVar aggregate classification (germline): Pathogenic. Review status: reviewed by expert panel (3 of 4 stars). 4 submissions from 4 submitters: Pathogenic (1). 3 of the submissions do not count toward it. Last evaluated 2016-10-18.

Conditions:
Breast-ovarian cancer, familial, susceptibility to, 1 (BROVCA1). Also called: BRCA1 Hereditary Breast and Ovarian Cancer; OVARIAN CANCER, SUSCEPTIBILITY TO. Identifiers: Orphanet 145, MedGen C2676676, MONDO:0011450, OMIM 604370. Disease mechanism: loss of function.

Submissions (4):

Evidence-based Network for the Interpretation of Germline Mutant Alleles (ENIGMA)
Classification: Pathogenic for Breast-ovarian cancer, familial, susceptibility to, 1. Last evaluated: 2016-10-18. Review status: reviewed by expert panel. Criteria: ENIGMA BRCA1/2 Classification Criteria (2015). Collection method: curation. Allele origin: germline.
Comment: Variant allele predicted to encode a truncated non-functional protein.

Consortium of Investigators of Modifiers of BRCA1/2 (CIMBA), c/o University of Cambridge
Classification: Pathogenic for Breast-ovarian cancer, familial, susceptibility to, 1. Last evaluated: 2015-10-02. Review status: criteria provided, single submitter. Criteria: CIMBA Mutation Classification guidelines May 2016. Collection method: clinical testing. Allele origin: germline. Not counted in ClinVar's aggregate classification.

Clinical Genetics and Genomics, Karolinska University Hospital
Classification: Pathogenic. Last evaluated: 2015-09-09. Review status: criteria provided, single submitter. Criteria: ACMG Guidelines, 2015. Collection method: clinical testing. Allele origin: germline. Affected: yes. Observed: 3 variant alleles. Not counted in ClinVar's aggregate classification.

BRCAlab, Lund University
Classification: Pathogenic for Breast-ovarian cancer, familial, susceptibility to, 1. Last evaluated: 2020-03-02. Review status: no assertion criteria provided. Collection method: clinical testing. Allele origin: germline. Affected: yes. Not counted in ClinVar's aggregate classification.